The following is an entry in ClinVar:

ClinVar aggregate classification (germline): Likely benign. Review status: criteria provided, multiple submitters, no conflicts (2 of 4 stars). 4 submissions from 4 submitters: Likely benign (4). Last evaluated 2025-07-29.

Conditions:
Catecholaminergic polymorphic ventricular tachycardia 2. Also called: CASQ2-Related Catecholaminergic Polymorphic Ventricular Tachycardia; VENTRICULAR TACHYCARDIA, STRESS-INDUCED POLYMORPHIC 2. Identifiers: Orphanet 3286, MedGen C2677794, MONDO:0012762, OMIM 611938.
Catecholaminergic polymorphic ventricular tachycardia 1. Also called: VENTRICULAR TACHYCARDIA, CATECHOLAMINERGIC POLYMORPHIC, 1, WITH OR WITHOUT ATRIAL DYSFUNCTION AND/OR DILATED CARDIOMYOPATHY; RYR2-Related Catecholaminergic Polymorphic Ventricular Tachycardia; VENTRICULAR TACHYCARDIA, STRESS-INDUCED POLYMORPHIC 1. Identifiers: Orphanet 3286, MedGen C1631597, MONDO:0011484, OMIM 604772.
Cardiovascular phenotype. Identifiers: MedGen CN230736.

Allele frequency attached by ClinVar (database versions not stated): TOPMed 0.00010; 1000 Genomes Project 30x 0.00016.

Submissions (4):

Labcorp Genetics (formerly Invitae), Labcorp
Classification: Likely benign for Catecholaminergic polymorphic ventricular tachycardia 1. Last evaluated: 2025-07-29. Review status: criteria provided, single submitter. Criteria: Invitae Variant Classification Sherloc (09022015). Collection method: clinical testing. Allele origin: germline.

Genome-Nilou Lab
Classification: Likely benign for Catecholaminergic polymorphic ventricular tachycardia 2. Last evaluated: 2023-04-11. Review status: criteria provided, single submitter. Criteria: ACMG Guidelines, 2015. Collection method: clinical testing. Allele origin: germline. Affected: no.

Ambry Genetics
Classification: Likely benign for Cardiovascular phenotype. Last evaluated: 2018-10-15. Review status: criteria provided, single submitter. Criteria: Ambry Variant Classification Scheme 2023. Collection method: clinical testing. Allele origin: germline.

GeneDx
Classification: Likely benign. Last evaluated: 2017-07-26. Review status: criteria provided, single submitter. Criteria: GeneDx Variant Classification (06012015). Collection method: clinical testing. Allele origin: germline. Affected: yes.
Comment: This variant is considered likely benign or benign based on one or more of the following criteria: it is a conservative change, it occurs at a poorly conserved position in the protein, it is predicted to be benign by multiple in silico algorithms, and/or has population frequency not consistent with disease.

NM_001232.4(CASQ2):c.177G>T (p.Pro59=)

Gene: CASQ2 (calsequestrin 2; minus strand). Cytogenetic location: 1p13.1.
Variant type: single nucleotide variant.
Coding change: c.177G>T on transcript NM_001232.4 (MANE Select); coding-DNA position 177, G replaced by T.
Protein change: p.Pro59=; no amino-acid change (proline 59 retained).
Molecular consequence: synonymous variant.
Genome position (GRCh38, 1-based): chr1:115,768,365, C>A on the plus strand (G>T on the coding strand, the complement: CASQ2 is on the minus strand). VCF-style: chr1-115768365-C-A. GRCh37 (hg19) VCF-style: chr1-116310986-C-A.
Identifiers: ClinVar variation 511059 (VCV000511059.13), dbSNP rs371260149, ClinGen allele CA1023992.
Genomic context (GRCh38, chr1:115,768,365, plus strand): 5'-TACCTCAAGCACGATTTCTTTCAGTTGGAACTGTTTTTGCGTGACCTTATCTGAAGACAC[C>A]GGCTCATGGTAGTAGAGGCAAAGCAAGTCATATTTCTTTAAAACCTGCTTGAAGTTCTTC-3'
Protein context (NP_001223.2, residues 49-69): YDLLCLYYHE[Pro59=]VSSDKVTQKQ